The following is an entry in ClinVar:

ClinVar aggregate classification (germline): Uncertain significance. Review status: criteria provided, multiple submitters, no conflicts (2 of 4 stars). 4 submissions from 2 submitters: Uncertain significance (4). Last evaluated 2025-11-10.

Conditions:
Cockayne syndrome type 2 (CSB). Also called: Cockayne Syndrome, Type II; COCKAYNE SYNDROME B. Identifiers: Orphanet 191, Orphanet 90322, MedGen C0751038, MONDO:0019570, OMIM 133540.
Cerebrooculofacioskeletal syndrome 1 (COFS1). Also called: Cerebro-oculo-facio-skeletal syndrome 1. Identifiers: MedGen C0220722, MONDO:0008955, OMIM 214150.
Age related macular degeneration 5. Identifiers: MedGen C3151063, MONDO:0013409, OMIM 613761.

gnomAD v4.1: 13 of 1,613,670 alleles (0.00081%); highest among the groups gnomAD compares: Non-Finnish European, 0.0011%; no homozygotes.

Submissions (4):

GeneDx
Classification: Uncertain significance. Last evaluated: 2025-11-10. Review status: criteria provided, single submitter. Criteria: GeneDx Variant Classification Process June 2021. Collection method: clinical testing. Allele origin: germline. Affected: yes.
Comment: In silico analysis suggests that this missense variant does not alter protein structure/function; In silico analysis supports a deleterious effect on splicing; This variant is associated with the following publications: (PMID: 29649050)

Illumina Laboratory Services, Illumina
Classification: Uncertain significance for Age related macular degeneration 5. Last evaluated: 2018-01-13. Review status: criteria provided, single submitter. Criteria: ICSL Variant Classification Criteria 13 December 2019. Collection method: clinical testing. Allele origin: germline.

Illumina Laboratory Services, Illumina
Classification: Uncertain significance for Cockayne syndrome type 2. Last evaluated: 2018-01-13. Review status: criteria provided, single submitter. Criteria: ICSL Variant Classification Criteria 13 December 2019. Collection method: clinical testing. Allele origin: germline.

Illumina Laboratory Services, Illumina
Classification: Uncertain significance for Cerebrooculofacioskeletal syndrome 1. Last evaluated: 2018-01-13. Review status: criteria provided, single submitter. Criteria: ICSL Variant Classification Criteria 13 December 2019. Collection method: clinical testing. Allele origin: germline.

NM_000124.4(ERCC6):c.1820A>G (p.Lys607Arg)

Gene: ERCC6 (ERCC excision repair 6, chromatin remodeling factor; minus strand). Cytogenetic location: 10q11.23.
Variant type: single nucleotide variant.
Coding change: c.1820A>G on transcript NM_000124.4 (MANE Select); coding-DNA position 1820, A replaced by G.
Protein change: p.Lys607Arg; replaces lysine 607 with arginine.
Molecular consequence: missense variant.
Genome position (GRCh38, 1-based): chr10:49,493,118, T>C on the plus strand (A>G on the coding strand, the complement: ERCC6 is on the minus strand). VCF-style: chr10-49493118-T-C. GRCh37 (hg19) VCF-style: chr10-50701164-T-C.
Other names: c.1820A>G, p.Lys607Arg (NM_001346440.2); short protein forms K607R.
Identifiers: ClinVar variation 452965 (VCV000452965.8), dbSNP rs200832611, ClinGen allele CA5495858.